The following is an entry in ClinVar:

NM_001267550.2(TTN):c.103801G>A (p.Glu34601Lys)

Genes: TTN-AS1 (TTN antisense RNA 1; plus strand), TTN (titin; minus strand). Cytogenetic location: 2q31.2.
Variant type: single nucleotide variant.
Coding change: c.103801G>A on transcript NM_001267550.2 (MANE Select); coding-DNA position 103801, G replaced by A.
Protein change: p.Glu34601Lys; replaces glutamic acid 34601 with lysine.
Molecular consequence: missense variant.
Genome position (GRCh38, 1-based): chr2:178,532,814, C>T on the plus strand (G>A on the coding strand, the complement: TTN is on the minus strand). VCF-style: chr2-178532814-C-T. GRCh37 (hg19) VCF-style: chr2-179397541-C-T.
Other names: c.98878G>A, p.Glu32960Lys (NM_001256850.1); c.76606G>A, p.Glu25536Lys (NM_003319.4); c.96097G>A, p.Glu32033Lys (NM_133378.4); c.76981G>A, p.Glu25661Lys (NM_133432.3); c.77182G>A, p.Glu25728Lys (NM_133437.4); short protein forms E32033K, E34601K, E25661K, E25728K, E25536K, E32960K.
Identifiers: ClinVar variation 2937542 (VCV002937542.3), dbSNP rs2468466469, ClinGen allele CA349413481.

ClinVar aggregate classification (germline): Uncertain significance (1 of 4 stars; one submission).

Conditions:
Dilated cardiomyopathy 1G (CMD1G). Identifiers: Orphanet 154, MedGen C1858763, MONDO:0011400, OMIM 604145.
Autosomal recessive limb-girdle muscular dystrophy type 2J (LGMDR10). Also called: Limb-girdle muscular dystrophy, type 2J; MUSCULAR DYSTROPHY, LIMB-GIRDLE, AUTOSOMAL RECESSIVE 10. Identifiers: Orphanet 140922, MedGen C1837342, MONDO:0012127, OMIM 608807.

gnomAD v4.1: 1 of 1,613,926 alleles (0.000062%); highest among the groups gnomAD compares: African/African-American, 0.0013%; no homozygotes.

Submission:

Labcorp Genetics (formerly Invitae), Labcorp
Classification: Uncertain significance for Dilated cardiomyopathy 1G; Autosomal recessive limb-girdle muscular dystrophy type 2J. Last evaluated: 2023-12-21. Review status: criteria provided, single submitter. Criteria: Invitae Variant Classification Sherloc (09022015). Collection method: clinical testing. Allele origin: germline.
Comment: This sequence change replaces glutamic acid, which is acidic and polar, with lysine, which is basic and polar, at codon 34601 of the TTN protein (p.Glu34601Lys). This variant is not present in population databases (gnomAD no frequency). This variant has not been reported in the literature in individuals affected with TTN-related conditions. Experimental studies and prediction algorithms are not available or were not evaluated, and the functional significance of this variant is currently unknown. This variant is located in the M band of TTN (PMID: 25589632). Non-truncating variants in this region may be relevant for neuromuscular disorders, but have not been definitively shown to cause cardiomyopathy (PMID: 23975875). In summary, the available evidence is currently insufficient to determine the role of this variant in disease. Therefore, it has been classified as a Variant of Uncertain Significance.

Literature cited by the submitters: PubMed 25589632; PubMed 23975875.